The following is an entry in ClinVar:

ClinVar aggregate classification (germline): Uncertain significance (1 of 4 stars; one submission).

Conditions:
Hereditary cancer-predisposing syndrome. Also called: Neoplastic Syndromes, Hereditary; Tumor predisposition; Hereditary Cancer Syndrome; Hereditary neoplastic syndrome. Identifiers: Orphanet 140162, MedGen C0027672, MeSH D009386, MONDO:0015356.

Submission:

Ambry Genetics
Classification: Uncertain significance for Hereditary cancer-predisposing syndrome. Last evaluated: 2025-11-25. Review status: criteria provided, single submitter. Criteria: Ambry Variant Classification Scheme 2023. Collection method: clinical testing. Allele origin: germline.
Comment: The p.L423P variant (also known as c.1268T>C), located in coding exon 5 of the AXIN2 gene, results from a T to C substitution at nucleotide position 1268. The leucine at codon 423 is replaced by proline, an amino acid with similar properties. This amino acid position is conserved. In addition, this alteration is predicted to be tolerated by in silico analysis. Based on the available evidence, the clinical significance of this variant remains unclear.

NM_004655.4(AXIN2):c.1268T>C (p.Leu423Pro)

Gene: AXIN2 (axin 2; minus strand). Cytogenetic location: 17q24.1.
Variant type: single nucleotide variant.
Coding change: c.1268T>C on transcript NM_004655.4 (MANE Select); coding-DNA position 1268, T replaced by C.
Protein change: p.Leu423Pro; replaces leucine 423 with proline.
Molecular consequence: missense variant.
Genome position (GRCh38, 1-based): chr17:65,537,768, A>G on the plus strand (T>C on the coding strand, the complement: AXIN2 is on the minus strand). VCF-style: chr17-65537768-A-G. GRCh37 (hg19) VCF-style: chr17-63533886-A-G.
Other names: c.1268T>C, p.Leu423Pro (NM_001363813.1); short protein forms L423P.
Identifiers: ClinVar variation 4619840 (VCV004619840.1).
Genomic context (GRCh38, chr17:65,537,768, plus strand): 5'-AGGTGATCGTCCAGTATCGTCTGCGGGTCTTCCTCGTAGCTGCCGGAGGGCAGTAGGGAG[A>G]GGGGGTGCTGCGTGGGCGCCCCCTCCCGCGAATTGAGTGTGAGCTCGGAGCCCTCTCTCT-3'
Protein context (NP_004646.3, residues 413-433): SREGAPTQHP[Leu423Pro]SLLPSGSYEE